The following is an entry in ClinVar:

ClinVar aggregate classification (germline): Uncertain significance (1 of 4 stars; one submission).

gnomAD v4.1: 2 of 1,613,918 alleles (0.00012%); highest among the groups gnomAD compares: Admixed American, 0.0017%; no homozygotes.

Submission:

Labcorp Genetics (formerly Invitae), Labcorp
Classification: Uncertain significance. Last evaluated: 2023-07-19. Review status: criteria provided, single submitter. Criteria: Invitae Variant Classification Sherloc (09022015). Collection method: clinical testing. Allele origin: germline.
Comment: This sequence change replaces threonine, which is neutral and polar, with asparagine, which is neutral and polar, at codon 141 of the RP1L1 protein (p.Thr141Asn). This variant is not present in population databases (gnomAD no frequency). This variant has not been reported in the literature in individuals affected with RP1L1-related conditions. ClinVar contains an entry for this variant (Variation ID: 1928100). Advanced modeling of protein sequence and biophysical properties (such as structural, functional, and spatial information, amino acid conservation, physicochemical variation, residue mobility, and thermodynamic stability) performed at Invitae indicates that this missense variant is not expected to disrupt RP1L1 protein function. In summary, the available evidence is currently insufficient to determine the role of this variant in disease. Therefore, it has been classified as a Variant of Uncertain Significance.

NM_178857.6(RP1L1):c.422C>A (p.Thr141Asn)

Gene: RP1L1 (RP1 like 1). Cytogenetic location: 8p23.1.
Variant type: single nucleotide variant.
Coding change: c.422C>A on transcript NM_178857.6 (MANE Select); coding-DNA position 422, C replaced by A.
Protein change: p.Thr141Asn; replaces threonine 141 with asparagine.
Molecular consequence: missense variant.
Genome position (GRCh38, 1-based): chr8:10,622,780, G>T on the plus strand (C>A on the coding strand, the complement: RP1L1 is on the minus strand). VCF-style: chr8-10622780-G-T. GRCh37 (hg19) VCF-style: chr8-10480290-G-T.
Other names: short protein forms T141N.
Identifiers: ClinVar variation 1928100 (VCV001928100.5), dbSNP rs2486318412, ClinGen allele CA370300215.